The following is an entry in ClinVar:

ClinVar aggregate classification (germline): Uncertain significance (1 of 4 stars; one submission).

Allele frequency attached by ClinVar (database versions not stated): gnomAD exomes 0.00002 and 0.00005; ExAC 0.00008; 1000 Genomes Project 0.00020; 1000 Genomes Project 30x 0.00031.
gnomAD v4.1: 45 of 1,577,894 alleles (0.0029%); highest among the groups gnomAD compares: African/African-American, 0.02%; no homozygotes.

Submission:

Labcorp Genetics (formerly Invitae), Labcorp
Classification: Uncertain significance. Last evaluated: 2024-05-24. Review status: criteria provided, single submitter. Criteria: Invitae Variant Classification Sherloc (09022015). Collection method: clinical testing. Allele origin: germline.
Comment: This sequence change replaces alanine, which is neutral and non-polar, with threonine, which is neutral and polar, at codon 494 of the TCF3 protein (p.Ala494Thr). This variant is present in population databases (rs562975911, gnomAD 0.02%). This variant has not been reported in the literature in individuals affected with TCF3-related conditions. ClinVar contains an entry for this variant (Variation ID: 1384681). Advanced modeling of protein sequence and biophysical properties (such as structural, functional, and spatial information, amino acid conservation, physicochemical variation, residue mobility, and thermodynamic stability) performed at Invitae indicates that this missense variant is not expected to disrupt TCF3 protein function with a negative predictive value of 80%. In summary, the available evidence is currently insufficient to determine the role of this variant in disease. Therefore, it has been classified as a Variant of Uncertain Significance.

NM_003200.5(TCF3):c.1480G>A (p.Ala494Thr)

Gene: TCF3 (transcription factor 3; minus strand). Cytogenetic location: 19p13.3.
Variant type: single nucleotide variant.
Coding change: c.1480G>A on transcript NM_003200.5 (MANE Select); coding-DNA position 1480, G replaced by A.
Protein change: p.Ala494Thr; replaces alanine 494 with threonine.
Molecular consequence: missense variant.
Genome position (GRCh38, 1-based): chr19:1,615,792, C>T on the plus strand (G>A on the coding strand, the complement: TCF3 is on the minus strand). VCF-style: chr19-1615792-C-T. GRCh37 (hg19) VCF-style: chr19-1615791-C-T.
Other names: c.1480G>A, p.Ala494Thr (NM_001136139.4, NM_001351779.2); c.1477G>A, p.Ala493Thr (NM_001351778.2); short protein forms A493T, A494T.
Identifiers: ClinVar variation 1384681 (VCV001384681.6), dbSNP rs562975911, ClinGen allele CA9049801.